The following is an entry in ClinVar:

ClinVar aggregate classification (germline): Uncertain significance (1 of 4 stars; one submission).

Conditions:
Tuberous sclerosis 1 (TSC1). Identifiers: Orphanet 805, MedGen C1854465, MONDO:0008612, OMIM 191100.

Submission:

Labcorp Genetics (formerly Invitae), Labcorp
Classification: Uncertain significance for Tuberous sclerosis 1. Last evaluated: 2025-11-10. Review status: criteria provided, single submitter. Criteria: Invitae Variant Classification Sherloc (09022015). Collection method: clinical testing. Allele origin: germline.
Comment: This sequence change replaces cysteine, which is neutral and slightly polar, with tyrosine, which is neutral and polar, at codon 586 of the TSC1 protein (p.Cys586Tyr). This variant is not present in population databases (gnomAD no frequency). This missense change has been observed in individual(s) with clinical features of tuberous sclerosis complex (PMID: 32917966). ClinVar contains an entry for this variant (Variation ID: 644301). Invitae Evidence Modeling of protein sequence and biophysical properties (such as structural, functional, and spatial information, amino acid conservation, physicochemical variation, residue mobility, and thermodynamic stability) indicates that this missense variant is not expected to disrupt TSC1 protein function with a negative predictive value of 95%. In summary, the available evidence is currently insufficient to determine the role of this variant in disease. Therefore, it has been classified as a Variant of Uncertain Significance.

Literature cited by the submitters: PubMed 32917966.

NM_000368.5(TSC1):c.1757G>A (p.Cys586Tyr)

Gene: TSC1 (TSC complex subunit 1; minus strand). Cytogenetic location: 9q34.13.
Variant type: single nucleotide variant.
Coding change: c.1757G>A on transcript NM_000368.5 (MANE Select); coding-DNA position 1757, G replaced by A.
Protein change: p.Cys586Tyr; replaces cysteine 586 with tyrosine.
Molecular consequence: missense variant.
Genome position (GRCh38, 1-based): chr9:132,905,821, C>T on the plus strand (G>A on the coding strand, the complement: TSC1 is on the minus strand). VCF-style: chr9-132905821-C-T. GRCh37 (hg19) VCF-style: chr9-135781208-C-T.
Other names: c.1754G>A, p.Cys585Tyr (NM_001162426.2); c.1604G>A, p.Cys535Tyr (NM_001162427.2); c.1394G>A, p.Cys465Tyr (NM_001362177.2); short protein forms C586Y, C465Y, C535Y, C585Y.
Identifiers: ClinVar variation 644301 (VCV000644301.8), dbSNP rs1588309480, ClinGen allele CA375363755.